The following is an entry in ClinVar:

NM_000883.4(IMPDH1):c.974C>T (p.Ser325Phe)

Gene: IMPDH1 (inosine monophosphate dehydrogenase 1; minus strand). Cytogenetic location: 7q32.1.
Variant type: single nucleotide variant.
Coding change: c.974C>T on transcript NM_000883.4 (MANE Select); coding-DNA position 974, C replaced by T.
Protein change: p.Ser325Phe; replaces serine 325 with phenylalanine.
Molecular consequence: missense variant.
Genome position (GRCh38, 1-based): chr7:128,398,514, G>A on the plus strand (C>T on the coding strand, the complement: IMPDH1 is on the minus strand). VCF-style: chr7-128398514-G-A. GRCh37 (hg19) VCF-style: chr7-128038568-G-A.
Other names: c.944C>T, p.Ser315Phe (NM_001102605.2); c.719C>T, p.Ser240Phe (NM_001142573.2); c.704C>T, p.Ser235Phe (NM_001142574.2); c.644C>T, p.Ser215Phe (NM_001142575.2); c.875C>T, p.Ser292Phe (NM_001142576.2); c.767C>T, p.Ser256Phe (NM_001304521.2); c.866C>T, p.Ser289Phe (NM_183243.3); short protein forms S215F, S235F, S240F, S256F, S289F, S292F, S315F, S325F.
Identifiers: ClinVar variation 1715850 (VCV001715850.5), dbSNP rs1473266703, ClinGen allele CA369168879.

ClinVar aggregate classification (germline): Uncertain significance (1 of 4 stars; one submission).

Submission:

Labcorp Genetics (formerly Invitae), Labcorp
Classification: Uncertain significance. Last evaluated: 2022-09-02. Review status: criteria provided, single submitter. Criteria: Invitae Variant Classification Sherloc (09022015). Collection method: clinical testing. Allele origin: germline.
Comment: In summary, the available evidence is currently insufficient to determine the role of this variant in disease. Therefore, it has been classified as a Variant of Uncertain Significance. Algorithms developed to predict the effect of missense changes on protein structure and function are either unavailable or do not agree on the potential impact of this missense change (SIFT: "Deleterious"; PolyPhen-2: "Benign"; Align-GVGD: "Class C0"). This variant has not been reported in the literature in individuals affected with IMPDH1-related conditions. This variant is not present in population databases (gnomAD no frequency). This sequence change replaces serine, which is neutral and polar, with phenylalanine, which is neutral and non-polar, at codon 325 of the IMPDH1 protein (p.Ser325Phe).